The following is an entry in ClinVar:

NM_003558.4(PIP5K1B):c.663_664del (p.Asn222fs)

Gene: PIP5K1B (phosphatidylinositol-4-phosphate 5-kinase type 1 beta; plus strand). Cytogenetic location: 9q21.11.
Variant type: Deletion.
Coding change: c.663_664del on transcript NM_003558.4 (MANE Select); coding-DNA positions 663 to 664, 2 bases deleted (CA; older notation c.663_664delCA).
Protein change: p.Asn222fs; shifts the reading frame from asparagine 222.
Molecular consequence: frameshift variant.
Genome position (GRCh38, 1-based): chr9:68,894,530-68,894,531, CA deleted. VCF-style (leftmost placement, unchanged base first): chr9-68894529-CCA-C. GRCh37 (hg19) VCF-style: chr9-71509445-CCA-C.
Other names: c.663_664delCA (NM_001278253.2); c.663_664del, p.Asn222fs (NM_001278253.2, NM_001376036.1, NM_001376037.1 and 3 more transcripts); short protein forms N222fs.
Identifiers: ClinVar variation 4082114 (VCV004082114.1).

ClinVar aggregate classification (germline): Pathogenic (0 of 4 stars; one submission).

Conditions:
Familial hypercholesterolemia. Also called: Familial hypercholesterolaemia. Identifiers: MedGen C0020445, MONDO:0005439.

Submission:

Research Laboratories, P. D. Hinduja Hospital & MRC
Classification: Pathogenic for Familial hypercholesterolemia. Last evaluated: 2022-12-16. Review status: no assertion criteria provided. Collection method: case-control. Allele origin: germline. Affected: yes. Observed: 1 variant allele, 1 heterozygote.
Comment: This variant was identified as part of the ICMR-funded project (Ref No. 2020-3881). A frameshift deletion in PIP5K1B (NM_001278253.2), exon 5: c.663_664delCA, resulting in a frameshift at aspartic acid 222 and a premature stop codon 32 residues downstream (p.D222Efs*32). To our knowledge, functional studies specific to this variant have not been reported. This variant has not been described in individuals with Familial Hypercholesterolemia (FH) in the literature; however, the PIP5K1B gene is associated with lipid metabolism according to the LIPID MAPS Proteome Database (LMPD). Computational predictions using MutationTaster and PolyPhen-2 suggest that this variant is likely deleterious and possibly damaging to protein function (GRCh38).